The following is an entry in ClinVar:

ClinVar aggregate classification (germline): Uncertain significance (1 of 4 stars; one submission).

Conditions:
Cardiovascular phenotype. Identifiers: MedGen CN230736.
Hereditary cancer-predisposing syndrome. Also called: Neoplastic Syndromes, Hereditary; Tumor predisposition; Hereditary Cancer Syndrome; Hereditary neoplastic syndrome. Identifiers: Orphanet 140162, MedGen C0027672, MeSH D009386, MONDO:0015356.

Submission:

Ambry Genetics
Classification: Uncertain significance for Cardiovascular phenotype; Hereditary cancer-predisposing syndrome. Last evaluated: 2025-10-16. Review status: criteria provided, single submitter. Criteria: Ambry Variant Classification Scheme 2023. Collection method: clinical testing. Allele origin: germline.
Comment: The p.Q1966H variant (also known as c.5898G>T), located in coding exon 39 of the NF1 gene, results from a G to T substitution at nucleotide position 5898. The glutamine at codon 1966 is replaced by histidine, an amino acid with highly similar properties. This amino acid position is conserved. In addition, this alteration is predicted to be deleterious by in silico analysis. Based on the available evidence, the clinical significance of this variant remains unclear.

NM_001042492.3(NF1):c.5961G>T (p.Gln1987His)

Gene: NF1 (neurofibromin 1; plus strand). Cytogenetic location: 17q11.2.
Variant type: single nucleotide variant.
Coding change: c.5961G>T on transcript NM_001042492.3 (MANE Select); coding-DNA position 5961, G replaced by T.
Protein change: p.Gln1987His; replaces glutamine 1987 with histidine.
Molecular consequence: missense variant.
Genome position (GRCh38, 1-based): chr17:31,334,986, G>T. VCF-style: chr17-31334986-G-T. GRCh37 (hg19) VCF-style: chr17-29662004-G-T.
Other names: c.5898G>T, p.Gln1966His (NM_000267.4); short protein forms Q1966H, Q1987H.
Identifiers: ClinVar variation 4615688 (VCV004615688.1).